The following is an entry in ClinVar:

NM_000152.5(GAA):c.276C>A (p.Cys92Ter)

Gene: GAA (alpha glucosidase; plus strand). Cytogenetic location: 17q25.3.
Variant type: single nucleotide variant.
Coding change: c.276C>A on transcript NM_000152.5 (MANE Select); coding-DNA position 276, C replaced by A.
Protein change: p.Cys92Ter; replaces cysteine 92 with a stop codon.
Molecular consequence: nonsense.
Genome position (GRCh38, 1-based): chr17:80,104,862, C>A. VCF-style: chr17-80104862-C-A. GRCh37 (hg19) VCF-style: chr17-78078661-C-A.
Other names: c.276C>A, p.Cys92Ter (NM_001079803.3, NM_001079804.3); c.276C>A (LRG_673t1); short protein forms C92*.
Identifiers: ClinVar variation 654482 (VCV000654482.15), dbSNP rs1232001857, ClinGen allele CA401360590.

ClinVar aggregate classification (germline): Likely pathogenic. Review status: reviewed by expert panel (3 of 4 stars). 4 submissions from 4 submitters: Likely pathogenic (1). 3 of the submissions do not count toward it. Last evaluated 2024-10-29.

Conditions:
Glycogen storage disease, type II (IOPD). Also called: POMPE DISEASE, INFANTILE-ONSET; GLYCOGEN STORAGE DISEASE II, INFANTILE-ONSET; ACID ALPHA-GLUCOSIDASE DEFICIENCY, INFANTILE-ONSET; GAA DEFICIENCY, INFANTILE-ONSET; ACID MALTASE DEFICIENCY, INFANTILE-ONSET; GLYCOGENOSIS, GENERALIZED, CARDIAC FORM. Identifiers: Orphanet 365, MedGen C0017921, MONDO:0009290, OMIM 232300.

Allele frequency attached by ClinVar (database versions not stated): TOPMed 0.00001.

Submissions (4):

ClinGen Lysosomal Storage Disorder Variant Curation Expert Panel
Classification: Likely pathogenic for Glycogen storage disease, type II. Last evaluated: 2024-10-29. Review status: reviewed by expert panel. Criteria: clingen_lsd_acmg_specifications_v2-1. Collection method: curation. Allele origin: germline. Inheritance: Autosomal recessive inheritance.
Comment: The NM_000152.5:c.276C>A (p.Cys92Ter) variant in GAA is a nonsense variant predicted to cause a premature stop codon in biologically-relevant-exon 2 of 20, leading to nonsense mediated decay in a gene in which loss-of-function is an established disease mechanism (PVS1). This variant is absent in gnomAD v2.1.1. and v4.1.0. (PM2_Supporting). To our knowledge, this variant has not been reported in individuals with Pompe disease in the literature and functional studies are unavailable. There is a ClinVar entry for this variant (Variation ID: 654482). The classification of this variant has been upgraded from Variant of Uncertain Significance to likely pathogenic based on the recommendations of the ClinGen Sequence Variant Interpretation Working Group, that a variant meeting PVS1 and PM2_Supporting is classified as Likely Pathogenic. In summary, this variant meets the criteria to be classified as likely pathogenic for Pompe disease. GAA-specific ACMG/AMP criteria applied, as specified by the ClinGen Lysosomal Diseases Variant Curation Expert Panel (Specifications Version 2.0): PVS1, PM2_Supporting. (Classification approved by the ClinGen Lysosomal Diseases Variant Curation Expert Panel on October 29, 2024).

Labcorp Genetics (formerly Invitae), Labcorp
Classification: Pathogenic for Glycogen storage disease, type II. Last evaluated: 2025-07-31. Review status: criteria provided, single submitter. Criteria: Invitae Variant Classification Sherloc (09022015). Collection method: clinical testing. Allele origin: germline. Not counted in ClinVar's aggregate classification.
Comment: This sequence change creates a premature translational stop signal (p.Cys92*) in the GAA gene. It is expected to result in an absent or disrupted protein product. Loss-of-function variants in GAA are known to be pathogenic (PMID: 18425781, 22252923). This variant is not present in population databases (gnomAD no frequency). This variant has not been reported in the literature in individuals affected with GAA-related conditions. ClinVar contains an entry for this variant (Variation ID: 654482). For these reasons, this variant has been classified as Pathogenic.

Fulgent Genetics
Classification: Likely pathogenic for Glycogen storage disease, type II. Last evaluated: 2024-03-26. Review status: criteria provided, single submitter. Criteria: ACMG Guidelines, 2015. Collection method: clinical testing. Allele origin: germline. Not counted in ClinVar's aggregate classification.

Baylor Genetics
Classification: Likely pathogenic for Glycogen storage disease, type II. Last evaluated: 2023-04-04. Review status: criteria provided, single submitter. Criteria: ACMG Guidelines, 2015. Collection method: clinical testing. Allele origin: unknown. Not counted in ClinVar's aggregate classification.

Literature cited by the submitters: PubMed 18425781 (cited by Labcorp Genetics (formerly Invitae), Labcorp); PubMed 22252923 (cited by Labcorp Genetics (formerly Invitae), Labcorp).